The following is an entry in ClinVar:

ClinVar aggregate classification (germline): Benign/Likely benign. Review status: criteria provided, multiple submitters, no conflicts (2 of 4 stars). 11 submissions from 10 submitters: Benign (6); Likely benign (5). Last evaluated 2026-09-01.

Conditions:
WFS1-Related Spectrum Disorders.
Autosomal dominant nonsyndromic hearing loss 6 (LFSNHL). Also called: DEAFNESS, AUTOSOMAL DOMINANT 6; DEAFNESS, AUTOSOMAL DOMINANT 14; DEAFNESS, AUTOSOMAL DOMINANT 38; Autosomal dominant nonsyndromic deafness 6. Identifiers: Orphanet 90635, MedGen C1833021, MONDO:0010963, OMIM 600965.
Wolfram syndrome 1 (WFS1). Identifiers: Orphanet 3463, MedGen C4551693, MONDO:0009101, OMIM 222300.

Allele frequency attached by ClinVar (database versions not stated): ESP Exome Variant Server 0.00008; gnomAD 0.00014 and 0.00015; gnomAD exomes 0.00029 and 0.00061; TOPMed 0.00032; ExAC 0.00038.
gnomAD v4.1: 199 of 1,613,076 alleles (0.012%); highest among the groups gnomAD compares: Admixed American, 0.31%; 1 homozygote.

Submissions (11):

CeGaT Center for Human Genetics Tuebingen
Classification: Likely benign. Last evaluated: 2026-09-01. Review status: criteria provided, single submitter. Criteria: CeGaT Center For Human Genetics Tuebingen Variant Classification Criteria Version 2. Collection method: clinical testing. Allele origin: germline. Affected: yes. Observed: 4 variant alleles.
Comment: WFS1: BP4, BP7

Labcorp Genetics (formerly Invitae), Labcorp
Classification: Benign. Last evaluated: 2026-02-02. Review status: criteria provided, single submitter. Criteria: Invitae Variant Classification Sherloc (09022015). Collection method: clinical testing. Allele origin: germline.

Mayo Clinic Laboratories, Mayo Clinic
Classification: Likely benign. Last evaluated: 2025-09-04. Review status: criteria provided, single submitter. Criteria: ACMG Guidelines, 2015. Collection method: clinical testing. Allele origin: germline. Observed: 1 variant allele.
Comment: BS1, BP4, BP7

ARUP Laboratories, Molecular Genetics and Genomics, ARUP Laboratories
Classification: Benign. Last evaluated: 2024-05-09. Review status: criteria provided, single submitter. Criteria: ARUP Molecular Germline Variant Investigation Process 2024. Collection method: clinical testing. Allele origin: germline.

Blueprint Genetics
Classification: Likely benign. Last evaluated: 2023-08-22. Review status: criteria provided, single submitter. Criteria: ACMG Guidelines, 2015. Collection method: clinical testing. Allele origin: germline.

Illumina Laboratory Services, Illumina
Classification: Benign for Autosomal dominant nonsyndromic hearing loss 6. Last evaluated: 2017-04-28. Review status: criteria provided, single submitter. Criteria: ICSL Variant Classification Criteria 13 December 2019. Collection method: clinical testing. Allele origin: germline.
Comment: This variant was observed as part of a predisposition screen in an ostensibly healthy population. A literature search was performed for the gene, cDNA change, and amino acid change (where applicable). No publications were found based on this search. Allele frequency data from public databases was too high to be consistent with this variant causing disease. Therefore, this variant is classified as benign.

Illumina Laboratory Services, Illumina
Classification: Likely benign for WFS1-Related Spectrum Disorders. Last evaluated: 2017-04-28. Review status: criteria provided, single submitter. Criteria: ICSL Variant Classification Criteria 13 December 2019. Collection method: clinical testing. Allele origin: germline.
Comment: This variant was observed as part of a predisposition screen in an ostensibly healthy population. A literature search was performed for the gene, cDNA change, and amino acid change (where applicable). No publications were found based on this search. Allele frequency data from public databases allowed determination this variant is unlikely to cause disease. Therefore, this variant is classified as likely benign.

Laboratory for Molecular Medicine, Mass General Brigham Personalized Medicine
Classification: Benign. Last evaluated: 2016-11-15. Review status: criteria provided, single submitter. Criteria: LMM Criteria. Collection method: clinical testing. Allele origin: germline. Observed: 1 variant allele.
Comment: p.Glu680Glu in exon8 of WFS1: This variant is not expected to have clinical sign ificance because it has been identified in 0.4% (43/11558) of Latino chromosomes by the Exome Aggregation Consortium (ExAC; dbSN P rs375263408).

GeneDx
Classification: Benign. Last evaluated: 2014-08-14. Review status: criteria provided, single submitter. Criteria: GeneDx Variant Classification (06012015). Collection method: clinical testing. Allele origin: germline. Affected: yes.
Comment: This variant is considered likely benign or benign based on one or more of the following criteria: it is a conservative change, it occurs at a poorly conserved position in the protein, it is predicted to be benign by multiple in silico algorithms, and/or has population frequency not consistent with disease.

Clinical Genomics, Uppaluri K&H Personalized Medicine Clinic
Classification: Benign for Wolfram syndrome 1. Review status: criteria provided, single submitter. Criteria: K & H Uppaluri Personalized Medicine Clinic Variant Classification & Assertion Criteria_Updated V.1. Collection method: research. Allele origin: unknown. Inheritance: Autosomal recessive inheritance.
Comment: Potent mutations in WFS1 gene are associated with Wolfram's syndrome, an autosomal recessive condition, which cause diabetes mellitus, diabetes insipidus, deafness and optic atrophy. However no sufficient evidence is found to ascertain the role of this particular variant rs375263408 in Wolfram's syndrome yet.

PreventionGenetics, part of Exact Sciences
Classification: Likely benign. Review status: criteria provided, single submitter. Criteria: ACMG Guidelines, 2015. Collection method: clinical testing. Allele origin: germline.

Literature cited by the submitters: PubMed 20738327 (cited by Clinical Genomics, Uppaluri K&H Personalized Medicine Clinic); PubMed 33879153 (cited by Clinical Genomics, Uppaluri K&H Personalized Medicine Clinic); PubMed 20301750 (cited by Clinical Genomics, Uppaluri K&H Personalized Medicine Clinic); PubMed 17603484 (cited by Clinical Genomics, Uppaluri K&H Personalized Medicine Clinic); PubMed 12955714 (cited by Clinical Genomics, Uppaluri K&H Personalized Medicine Clinic); PubMed 18060660 (cited by Clinical Genomics, Uppaluri K&H Personalized Medicine Clinic).

NM_006005.3(WFS1):c.2040G>A (p.Glu680=)

Gene: WFS1 (wolframin ER transmembrane glycoprotein; plus strand). Cytogenetic location: 4p16.1.
Variant type: single nucleotide variant.
Coding change: c.2040G>A on transcript NM_006005.3 (MANE Select); coding-DNA position 2040, G replaced by A.
Protein change: p.Glu680=; no amino-acid change (glutamic acid 680 retained).
Molecular consequence: synonymous variant.
Genome position (GRCh38, 1-based): chr4:6,301,835, G>A. VCF-style: chr4-6301835-G-A. GRCh37 (hg19) VCF-style: chr4-6303562-G-A.
Other names: p.Glu680=; c.2040G>A, p.Glu680= (NM_001145853.1).
Identifiers: ClinVar variation 215366 (VCV000215366.26), dbSNP rs375263408, ClinGen allele CA323050.